The following is an entry in ClinVar:

NM_000059.4(BRCA2):c.4192G>C (p.Ala1398Pro)

Gene: BRCA2 (BRCA2 DNA repair associated; plus strand). Cytogenetic location: 13q13.1.
Variant type: single nucleotide variant.
Coding change: c.4192G>C on transcript NM_000059.4 (MANE Select); coding-DNA position 4192, G replaced by C.
Protein change: p.Ala1398Pro; replaces alanine 1398 with proline.
Molecular consequence: missense variant.
Genome position (GRCh38, 1-based): chr13:32,338,547, G>C. VCF-style: chr13-32338547-G-C. GRCh37 (hg19) VCF-style: chr13-32912684-G-C.
Other names: c.4192G>C (NM_000059.3); short protein forms A1398P.
Identifiers: ClinVar variation 1353185 (VCV001353185.10), dbSNP rs876659902, ClinGen allele CA387780173.

ClinVar aggregate classification (germline): Conflicting classifications of pathogenicity. Review status: criteria provided, conflicting classifications (1 of 4 stars). 4 submissions from 4 submitters: Uncertain significance (2); Likely benign (2). Last evaluated 2025-09-16.

Conditions:
Hereditary cancer-predisposing syndrome. Also called: Neoplastic Syndromes, Hereditary; Tumor predisposition; Hereditary neoplastic syndrome; Hereditary Cancer Syndrome. Identifiers: Orphanet 140162, MedGen C0027672, MeSH D009386, MONDO:0015356.
Hereditary breast ovarian cancer syndrome. Also called: BRCA1- and BRCA2-Associated Hereditary Breast and Ovarian Cancer; Hereditary breast and ovarian cancer; Hereditary breast and ovarian cancer syndrome; Hereditary breast and ovarian cancer syndrome (HBOC); Breast and ovarian cancer; Hereditary breast and/or ovarian cancer syndrome. Identifiers: Orphanet 145, MedGen C0677776, MeSH D061325, MONDO:0003582. Disease mechanism: loss of function.

gnomAD v4.1: 3 of 1,602,500 alleles (0.00019%); highest among the groups gnomAD compares: Non-Finnish European, 0.00026%; no homozygotes.

Submissions (4):

Color Diagnostics, LLC DBA Color Health
Classification: Uncertain significance for Hereditary cancer-predisposing syndrome. Last evaluated: 2025-09-16. Review status: criteria provided, single submitter. Criteria: ACMG Guidelines, 2015. Collection method: clinical testing. Allele origin: germline.
Comment: This missense variant replaces alanine with proline at codon 1398 of the BRCA2 protein. Computational prediction suggests that this variant may not impact protein structure and function. To our knowledge, functional studies have not been reported for this variant. A multifactorial analysis has reached a combined likelihood ratio (LR) of 0.502 based on reported LR for co-occurrence with a pathogenic variant and/or segregation and family history for 1 carrier (PMID: 31131967). This variant has not been identified in the general population by the Genome Aggregation Database (gnomAD). The available evidence is insufficient to determine the role of this variant in disease conclusively. Therefore, this variant is classified as a Variant of Uncertain Significance.

Ambry Genetics
Classification: Likely benign for Hereditary cancer-predisposing syndrome. Last evaluated: 2023-10-30. Review status: criteria provided, single submitter. Criteria: Ambry Variant Classification Scheme 2023. Collection method: clinical testing. Allele origin: germline.

University of Washington Department of Laboratory Medicine, University of Washington
Classification: Likely benign for Hereditary cancer-predisposing syndrome. Last evaluated: 2023-03-23. Review status: criteria provided, single submitter. Criteria: Dines et al. (Genet Med. 2020). Collection method: curation. Allele origin: germline.
Comment: Missense variant in a coldspot region where missense variants are very unlikely to be pathogenic (PMID:31911673).

BRCA2 exon 11 coldspot. Reclassification based on statistical prior probability.

Labcorp Genetics (formerly Invitae), Labcorp
Classification: Uncertain significance for Hereditary breast ovarian cancer syndrome. Last evaluated: 2022-09-04. Review status: criteria provided, single submitter. Criteria: Invitae Variant Classification Sherloc (09022015). Collection method: clinical testing. Allele origin: germline.
Comment: In summary, the available evidence is currently insufficient to determine the role of this variant in disease. Therefore, it has been classified as a Variant of Uncertain Significance. Advanced modeling of protein sequence and biophysical properties (such as structural, functional, and spatial information, amino acid conservation, physicochemical variation, residue mobility, and thermodynamic stability) performed at Invitae indicates that this missense variant is not expected to disrupt BRCA2 protein function. ClinVar contains an entry for this variant (Variation ID: 1353185). This variant has not been reported in the literature in individuals affected with BRCA2-related conditions. This variant is not present in population databases (gnomAD no frequency). This sequence change replaces alanine, which is neutral and non-polar, with proline, which is neutral and non-polar, at codon 1398 of the BRCA2 protein (p.Ala1398Pro).

Literature cited by the submitters: PubMed 31131967 (cited by Color Diagnostics, LLC DBA Color Health).